The following is an entry in ClinVar:

ClinVar aggregate classification (germline): Likely pathogenic (1 of 4 stars; one submission).

Conditions:
Joubert syndrome and related disorders. Identifiers: Orphanet 140874, MedGen C5679612, MONDO:0015369.

Allele frequency attached by ClinVar (database versions not stated): TOPMed below 0.00001; gnomAD 0.00001.

Submission:

Women's Health and Genetics/Laboratory Corporation of America, LabCorp
Classification: Likely pathogenic for Joubert syndrome and related disorders. Last evaluated: 2022-09-29. Review status: criteria provided, single submitter. Criteria: LabCorp Variant Classification Summary - May 2015. Collection method: clinical testing. Allele origin: germline.
Comment: Variant summary: ARL13B c.801delT (p.Asn267LysfsX23) results in a premature termination codon, predicted to cause a truncation of the encoded protein or absence of the protein due to nonsense mediated decay, which are commonly known mechanisms for disease. The variant was absent in 241574 control chromosomes (gnomAD). To our knowledge, no occurrence of c.801delT in individuals affected with Joubert Syndrome And Related Disorders and no experimental evidence demonstrating its impact on protein function have been reported. No clinical diagnostic laboratories have submitted clinical-significance assessments for this variant to ClinVar after 2014. Based on the evidence outlined above, the variant was classified as likely pathogenic.

NM_001174150.2(ARL13B):c.801del (p.Asn267fs)

Gene: ARL13B (ARF like GTPase 13B; plus strand). Cytogenetic location: 3q11.2.
Variant type: Deletion.
Coding change: c.801del on transcript NM_001174150.2 (MANE Select); coding-DNA position 801, one base deleted (T; older notation c.801delT).
Protein change: p.Asn267fs; shifts the reading frame from asparagine 267.
Molecular consequence: frameshift variant. On other transcripts: non-coding transcript variant (2).
Genome position (GRCh38, 1-based): chr3:94,043,017, T deleted. VCF-style (leftmost placement, unchanged base first): chr3-94043016-AT-A. GRCh37 (hg19) VCF-style: chr3-93761860-AT-A.
Other names: c.492del, p.Asn164fs (NM_001174151.2); c.756del, p.Asn252fs (NM_001321328.2); c.801delT, p.Asn267Lysfs (NM_001410782.1); c.480del, p.Asn160fs (NM_144996.4); c.801del, p.Asn267fs (NM_182896.3); short protein forms N160fs, N164fs, N252fs, N267fs.
Identifiers: ClinVar variation 1722485 (VCV001722485.1), dbSNP rs2076888595, ClinGen allele CA1051003534.